The following is an entry in ClinVar:

NM_000748.3(CHRNB2):c.1256C>T (p.Pro419Leu)

Gene: CHRNB2 (cholinergic receptor nicotinic beta 2 subunit; plus strand). Cytogenetic location: 1q21.3.
Variant type: single nucleotide variant.
Coding change: c.1256C>T on transcript NM_000748.3 (MANE Select); coding-DNA position 1256, C replaced by T.
Protein change: p.Pro419Leu; replaces proline 419 with leucine.
Molecular consequence: missense variant.
Genome position (GRCh38, 1-based): chr1:154,572,079, C>T. VCF-style: chr1-154572079-C-T. GRCh37 (hg19) VCF-style: chr1-154544555-C-T.
Other names: short protein forms P419L.
Identifiers: ClinVar variation 4693507 (VCV004693507.1).

ClinVar aggregate classification (germline): Uncertain significance (1 of 4 stars; one submission).

Conditions:
Familial sleep-related hypermotor epilepsy. Also called: Autosomal Dominant Sleep-Related Hypermotor (Hyperkinetic) Epilepsy. Identifiers: Orphanet 98784, MedGen C3696898, MONDO:0000030.

gnomAD v4.1: 25 of 1,535,632 alleles (0.0016%); highest among the groups gnomAD compares: Non-Finnish European, 0.0021%; no homozygotes.

Submission:

Labcorp Genetics (formerly Invitae), Labcorp
Classification: Uncertain significance. Last evaluated: 2025-03-06. Review status: criteria provided, single submitter. Criteria: Invitae Variant Classification Sherloc (09022015). Collection method: clinical testing. Allele origin: germline.
Comment: This sequence change replaces proline, which is neutral and non-polar, with leucine, which is neutral and non-polar, at codon 419 of the CHRNB2 protein (p.Pro419Leu). This variant is not present in population databases (gnomAD no frequency). This variant has not been reported in the literature in individuals affected with CHRNB2-related conditions. Invitae Evidence Modeling of protein sequence and biophysical properties (such as structural, functional, and spatial information, amino acid conservation, physicochemical variation, residue mobility, and thermodynamic stability) indicates that this missense variant is not expected to disrupt CHRNB2 protein function with a negative predictive value of 80%. In summary, the available evidence is currently insufficient to determine the role of this variant in disease. Therefore, it has been classified as a Variant of Uncertain Significance.